The following is an entry in ClinVar:

NM_017514.5(PLXNA3):c.21C>T (p.Leu7=)

Gene: PLXNA3 (plexin A3; plus strand). Cytogenetic location: Xq28.
Variant type: single nucleotide variant.
Coding change: c.21C>T on transcript NM_017514.5 (MANE Select); coding-DNA position 21, C replaced by T.
Protein change: p.Leu7=; no amino-acid change (leucine 7 retained).
Molecular consequence: synonymous variant.
Genome position (GRCh38, 1-based): chrX:154,460,204, C>T. VCF-style: chrX-154460204-C-T. GRCh37 (hg19) VCF-style: chrX-153688544-C-T.
Identifiers: ClinVar variation 4985142 (VCV004985142.1).

ClinVar aggregate classification (germline): Likely benign (1 of 4 stars; one submission).

Conditions:
PLXNA3-related disorder. Also called: PLXNA3-related condition.

Submission:

PreventionGenetics, part of Exact Sciences
Classification: Likely benign for PLXNA3-related condition. Last evaluated: 2025-04-29. Review status: criteria provided, single submitter. Criteria: ACMG Guidelines, 2015. Collection method: clinical testing. Allele origin: germline.
Comment: This variant is classified as likely benign based on ACMG/AMP sequence variant interpretation guidelines (Richards et al. 2015 PMID: 25741868, with internal and published modifications).